The following is an entry in ClinVar:

ClinVar aggregate classification (germline): Uncertain significance (1 of 4 stars; one submission).

Allele frequency attached by ClinVar (database versions not stated): gnomAD exomes below 0.00001; gnomAD 0.00001.
gnomAD v4.1: 4 of 1,208,768 alleles (0.00033%); highest among the groups gnomAD compares: Non-Finnish European, 0.00045%; no homozygotes.

Submission:

GeneDx
Classification: Uncertain significance. Last evaluated: 2026-02-02. Review status: criteria provided, single submitter. Criteria: GeneDx Variant Classification Process June 2021. Collection method: clinical testing. Allele origin: germline.
Comment: In silico analysis supports that this missense variant has a deleterious effect on protein structure/function; Has not been previously published as pathogenic or benign to our knowledge

NM_014271.4(IL1RAPL1):c.137G>A (p.Gly46Glu)

Gene: IL1RAPL1 (interleukin 1 receptor accessory protein like 1; plus strand). Cytogenetic location: Xp21.3.
Variant type: single nucleotide variant.
Coding change: c.137G>A on transcript NM_014271.4 (MANE Select); coding-DNA position 137, G replaced by A.
Protein change: p.Gly46Glu; replaces glycine 46 with glutamic acid.
Molecular consequence: missense variant.
Genome position (GRCh38, 1-based): chrX:29,282,992, G>A. VCF-style: chrX-29282992-G-A. GRCh37 (hg19) VCF-style: chrX-29301109-G-A.
Other names: short protein forms G46E.
Identifiers: ClinVar variation 3253514 (VCV003253514.2), dbSNP rs1293643963.